The following continues an entry in ClinVar:

NM_003000.3(SDHB):c.166_170del (p.Pro56fs)

Gene: SDHB. ClinVar aggregate classification (germline): Pathogenic. Pathogenic (13).

Submissions 11 to 13 of 13:

Division of Medical Genetics, University of Washington
Classification: Pathogenic for Pheochromocytoma/paraganglioma syndrome 4. Last evaluated: 2019-10-29. Review status: criteria provided, single submitter. Criteria: ACMG Guidelines, 2015. Collection method: clinical testing. Allele origin: germline. Study: CSER_CHARM.
Comment: This variant has been reported in the literature in multiple individuals affected with pheochromocytoma and/or paraganglioma [Neumann 2004, Mora 2006, Amar 2007, Cascon 2009, Gill 2011, Jove 2014]. This variant leads to a translational frameshift and the introduction of a premature termination codon 5 residues downstream. The variant transcript is predicted to be unstable and degraded by nonsense-mediated decay. Loss of expression of one allele of SDHB is a well-established mechanism of disease for hereditary paraganglioma-pheochromocytoma syndrome [Burnichon 2009, Ricketts 2010]. This variant is not present in population databases. Thus, this variant is interpreted as pathogenic. PM2; PVS1

ARUP Laboratories, Molecular Genetics and Genomics, ARUP Laboratories
Classification: Pathogenic. Last evaluated: 2019-03-21. Review status: criteria provided, single submitter. Criteria: ARUP Molecular Germline Variant Investigation Process. Collection method: clinical testing. Allele origin: germline.
Comment: The SDHB c.166_170delCCTCA; p.Pro56fs variant (rs786202100), also published as 300_304delCCTCA, is reported in the literature in numerous individuals affected with paraganglioma and/or pheochromocytoma (Amar 2007, Burnichon 2009, Cascon 2009, Gill 2011, Jove 2014, Mora 2006, Neumann 2004). This variant has been discussed as a founder mutation in affected individuals of Spanish descent (Cascon 2009). This variant is absent from general population databases (Exome Variant Server, Genome Aggregation Database), indicating it is not a common polymorphism, and it is reported as pathogenic by several laboratories in ClinVar (Variation ID: 185342). This variant causes a frameshift by deleting five nucleotides, so it is predicted to result in a truncated protein or mRNA subject to nonsense-mediated decay. Based on available information, this variant is considered to be pathogenic. References: Amar L et al. Succinate dehydrogenase B gene mutations predict survival in patients with malignant pheochromocytomas or paragangliomas. J Clin Endocrinol Metab. 2007 Oct;92(10):3822-8. Burnichon N et al. The succinate dehydrogenase genetic testing in a large prospective series of patients with paragangliomas. J Clin Endocrinol Metab. 2009 Aug;94(8):2817-27. Cascon A et al. Genetics of pheochromocytoma and paraganglioma in Spanish patients. J Clin Endocrinol Metab. 2009 May;94(5):1701-5. Gill AJ et al. Renal tumors associated with germline SDHB mutation show distinctive morphology. Am J Surg Pathol. 2011 Oct;35(10):1578-85. Jove et al. Simultaneous KIT mutation and succinate dehydrogenase (SDH) deficiency in a patient with a gastrointestinal stromal tumour and Carney-Stratakis syndrome: a case report. Histopathology. 2014 Nov;65(5):712-7. Mora J et al. Pediatric paraganglioma: an early manifestation of an adult disease secondary to germline mutations. Pediatr Blood Cancer. 2006 Nov;47(6):785-9. Neumann HP et al. Distinct clinical features of paraganglioma syndromes associated with SDHB and SDHD gene mutations. JAMA. 2004 Aug 25;292(8):943-51.

Baylor Genetics
Classification: Pathogenic for Pheochromocytoma. Last evaluated: 2018-12-07. Review status: criteria provided, single submitter. Criteria: ACMG Guidelines, 2015. Collection method: clinical testing. Allele origin: unknown. Affected: yes. Study: CSER-TexasKidsCanSeq.
Comment: This variant was determined to be pathogenic according to ACMG Guidelines, 2015 [PMID:25741868]. This variant has been previously reported as disease-causing [PMID 15328326, 21934479, 25130709, 28152038]

Literature cited by the submitters: PubMed 19454582 (cited by 3 submitters); PubMed 19802898 (cited by Labcorp Genetics (formerly Invitae), Labcorp); PubMed 15328326 (cited by 6 submitters); PubMed 16304664 (cited by Labcorp Genetics (formerly Invitae), Labcorp and Ambry Genetics); PubMed 17652212 (cited by 3 submitters); PubMed 19258401 (cited by 4 submitters); PubMed 21934479 (cited by 4 submitters); PubMed 25130709 (cited by 3 submitters); PubMed 18551016 (cited by Ambry Genetics); PubMed 16258955 (cited by Dasa); PubMed 19389109 (cited by Dasa); PubMed 31431315 (cited by Quest Diagnostics Nichols Institute San Juan Capistrano); PubMed 34313605 (cited by Quest Diagnostics Nichols Institute San Juan Capistrano); PubMed 37734265 (cited by Quest Diagnostics Nichols Institute San Juan Capistrano); PubMed 30201732 (cited by Women's Health and Genetics/Laboratory Corporation of America, LabCorp); PubMed 29386252 (cited by Women's Health and Genetics/Laboratory Corporation of America, LabCorp); PubMed 28152038 (cited by Baylor Genetics).